The following is an entry in ClinVar:

NM_000824.5(GLRB):c.1378C>T (p.Pro460Ser)

Gene: GLRB (glycine receptor beta; plus strand). Cytogenetic location: 4q32.1.
Variant type: single nucleotide variant.
Coding change: c.1378C>T on transcript NM_000824.5 (MANE Select); coding-DNA position 1378, C replaced by T.
Protein change: p.Pro460Ser; replaces proline 460 with serine.
Molecular consequence: missense variant. On other transcripts: 3 prime UTR variant (1).
Genome position (GRCh38, 1-based): chr4:157,170,612, C>T. VCF-style: chr4-157170612-C-T. GRCh37 (hg19) VCF-style: chr4-158091764-C-T.
Other names: c.1378C>T, p.Pro460Ser (NM_001166060.2); c.*173C>T (NM_001166061.2); short protein forms P460S.
Identifiers: ClinVar variation 1981952 (VCV001981952.4), dbSNP rs755007714, ClinGen allele CA3120007.

ClinVar aggregate classification (germline): Uncertain significance (1 of 4 stars; one submission).

Conditions:
Hyperekplexia 2 (HKPX2). Identifiers: Orphanet 3197, MedGen C3553291, MONDO:0013828, OMIM 614619.

Allele frequency attached by ClinVar (database versions not stated): gnomAD exomes below 0.00001; TOPMed below 0.00001; ExAC 0.00001.
gnomAD v4.1: 2 of 1,612,756 alleles (0.00012%); highest among the groups gnomAD compares: African/African-American, 0.0013%; no homozygotes.

Submission:

Labcorp Genetics (formerly Invitae), Labcorp
Classification: Uncertain significance for Hyperekplexia 2. Last evaluated: 2022-03-08. Review status: criteria provided, single submitter. Criteria: Invitae Variant Classification Sherloc (09022015). Collection method: clinical testing. Allele origin: germline.
Comment: In summary, the available evidence is currently insufficient to determine the role of this variant in disease. Therefore, it has been classified as a Variant of Uncertain Significance. Advanced modeling of protein sequence and biophysical properties (such as structural, functional, and spatial information, amino acid conservation, physicochemical variation, residue mobility, and thermodynamic stability) performed at Invitae indicates that this missense variant is not expected to disrupt GLRB protein function. This variant has not been reported in the literature in individuals affected with GLRB-related conditions. This variant is present in population databases (rs755007714, gnomAD 0.004%). This sequence change replaces proline, which is neutral and non-polar, with serine, which is neutral and polar, at codon 460 of the GLRB protein (p.Pro460Ser).